The following is an entry in ClinVar:

NM_000455.5(STK11):c.599C>A (p.Ala200Glu)

Gene: STK11 (serine/threonine kinase 11; plus strand). Cytogenetic location: 19p13.3.
Variant type: single nucleotide variant.
Coding change: c.599C>A on transcript NM_000455.5 (MANE Select); coding-DNA position 599, C replaced by A.
Protein change: p.Ala200Glu; replaces alanine 200 with glutamic acid.
Molecular consequence: missense variant.
Genome position (GRCh38, 1-based): chr19:1,220,582, C>A. VCF-style: chr19-1220582-C-A. GRCh37 (hg19) VCF-style: chr19-1220581-C-A.
Other names: short protein forms A200E.
Identifiers: ClinVar variation 231600 (VCV000231600.5), dbSNP rs876659254, ClinGen allele CA10581005.
Genomic context (GRCh38, chr19:1,220,582, plus strand): 5'-GGGGGCCCTGGGGCGCCCCCTCCCGGGCACTCCCTGAGGGCTGCACGGCACCGCCACAGG[C>A]ACTGCACCCGTTCGCGGCGGACGACACCTGCCGGACCAGCCAGGGCTCCCCGGCTTTCCA-3'
Protein context (NP_000446.1, residues 190-210): LKISDLGVAE[Ala200Glu]LHPFAADDTC

ClinVar aggregate classification (germline): Uncertain significance (1 of 4 stars; one submission).

Conditions:
Hereditary cancer-predisposing syndrome. Also called: Neoplastic Syndromes, Hereditary; Tumor predisposition; Hereditary Cancer Syndrome; Hereditary neoplastic syndrome. Identifiers: Orphanet 140162, MedGen C0027672, MeSH D009386, MONDO:0015356.

Submission:

Ambry Genetics
Classification: Uncertain significance for Hereditary cancer-predisposing syndrome. Last evaluated: 2015-05-05. Review status: criteria provided, single submitter. Criteria: Ambry Variant Classification Scheme 2023. Collection method: clinical testing. Allele origin: germline.
Comment: The p.A200E variant (also known as c.599C>A), located in coding exon 5 of the STK11 gene, results from a C to A substitution at nucleotide position 599. The alanine at codon 200 is replaced by glutamic acid, an amino acid with dissimilar properties. This variant was not reported in population based cohorts in the following databases: Database of Single Nucleotide Polymorphisms (dbSNP), NHLBI Exome Sequencing Project (ESP), and 1000 Genomes Project. In the ESP, this variant was not observed in 5967 samples (11934 alleles) with coverage at this position. To date, this alteration has been detected with an allele frequency of approximately 0.001% (greater than 110000 alleles tested) in our clinical cohort. This amino acid position is highly conserved in available vertebrate species. In addition, this alteration is predicted to be deleterious by in silico analysis. Since supporting evidence is limited at this time, the clinical significance of p.A200E remains unclear.